The following is an entry in ClinVar:

NM_001145026.2(PTPRQ):c.5687-6del

Gene: PTPRQ (protein tyrosine phosphatase receptor type Q; plus strand). Cytogenetic location: 12q21.31.
Variant type: Deletion.
Coding change: c.5687-6del on transcript NM_001145026.2 (MANE Select); 6 bases into the intron before coding-DNA position 5687, one base deleted (C; older notation c.5687-6delC).
Molecular consequence: intron variant.
Genome position (GRCh38, 1-based): chr12:80,632,186, C deleted. VCF-style (leftmost placement, unchanged base first): chr12-80632185-TC-T. GRCh37 (hg19) VCF-style: chr12-81025964-TC-T.
Identifiers: ClinVar variation 1201572 (VCV001201572.6), dbSNP rs575788194, ClinGen allele CA6702857.
Genomic context (GRCh38, chr12:80,632,185, plus strand): 5'-GGTAGTTTGGGATTCAAAATAAGATTCCATAATAATATTTAATGATCCTGTTATCCCTCT[TC>T]TCCAGGGGAAGGACTTTCAGAAAGAACCGTAGAGATCATTCTTTCCGTCACTTTGTGTAT-3'

ClinVar aggregate classification (germline): Likely benign (1 of 4 stars; one submission).

Allele frequency attached by ClinVar (database versions not stated): gnomAD exomes 0.00022 and 0.00016; 1000 Genomes Project 0.00080; gnomAD 0.00012 and 0.00021; TOPMed 0.00017; ExAC 0.00020.

Submission:

GeneDx
Classification: Likely benign. Last evaluated: 2023-10-17. Review status: criteria provided, single submitter. Criteria: GeneDx Variant Classification Process June 2021. Collection method: clinical testing. Allele origin: germline. Affected: yes.
Comment: See Variant Classification Assertion Criteria.